The following is an entry in ClinVar:

NM_002074.5(GNB1):c.833_835del (p.Phe278del)

Gene: GNB1 (G protein subunit beta 1; minus strand). Cytogenetic location: 1p36.33.
Variant type: Deletion.
Coding change: c.833_835del on transcript NM_002074.5 (MANE Select); coding-DNA positions 833 to 835, 3 bases deleted (TCT; older notation c.833_835delTCT).
Protein change: p.Phe278del; deletes phenylalanine 278.
Genome position (GRCh38, 1-based): chr1:1,789,134-1,789,136, AGA deleted on the plus strand (TCT on the coding strand, the reverse complement: GNB1 is on the minus strand); deleting any 3 consecutive bases within chr1:1,789,134-1,789,138 gives the same sequence; the c. name uses the placement nearest the transcript's 3' end. VCF-style (leftmost placement, unchanged base first): chr1-1789133-GAGA-G. GRCh37 (hg19) VCF-style: chr1-1720572-GAGA-G.
Other names: c.533_535del, p.Phe178del (NM_001282538.2); c.833_835del, p.Phe278del (NM_001282539.2); short protein forms F178del, F278del.
Identifiers: ClinVar variation 3359132 (VCV003359132.2).

ClinVar aggregate classification (germline): Uncertain significance (1 of 4 stars; one submission).

Conditions:
Intellectual developmental disorder, autosomal dominant 42. Also called: Intellectual disability, autosomal dominant 42; Global developmental delay-neuro-ophthalmological abnormalities-seizures-intellectual disability syndrome; GNB1 Encephalopathy. Identifiers: Orphanet 488613, MedGen C4310774, MONDO:0014855, OMIM 616973.

Submission:

Institute of Human Genetics, University of Leipzig Medical Center
Classification: Uncertain significance for Intellectual developmental disorder, autosomal dominant 42. Last evaluated: 2021-04-01. Review status: criteria provided, single submitter. Criteria: ACMG Guidelines, 2015. Collection method: clinical testing. Allele origin: de novo. Inheritance: Autosomal dominant inheritance. Affected: yes.
Comment: Criteria applied: PM4_SUP, PS2_SUP, PM2_SUP